The following is an entry in ClinVar:

NM_000193.4(SHH):c.57C>A (p.Cys19Ter)

Gene: SHH (sonic hedgehog signaling molecule; minus strand). Cytogenetic location: 7q36.3.
Variant type: single nucleotide variant.
Coding change: c.57C>A on transcript NM_000193.4 (MANE Select); coding-DNA position 57, C replaced by A.
Protein change: p.Cys19Ter; replaces cysteine 19 with a stop codon.
Molecular consequence: nonsense.
Genome position (GRCh38, 1-based): chr7:155,812,066, G>T on the plus strand (C>A on the coding strand, the complement: SHH is on the minus strand). VCF-style: chr7-155812066-G-T. GRCh37 (hg19) VCF-style: chr7-155604760-G-T.
Other names: short protein forms C19*.
Identifiers: ClinVar variation 3775119 (VCV003775119.1).

ClinVar aggregate classification (germline): Pathogenic (1 of 4 stars; one submission).

Conditions:
Holoprosencephaly 3 (HPE3). Identifiers: Orphanet 2162, MedGen C1840529, MONDO:0007733, OMIM 142945.

Submission:

Laboratory of Molecular Genetics, CHU Rennes
Classification: Pathogenic for Holoprosencephaly 3. Last evaluated: 2025-02-27. Review status: criteria provided, single submitter. Criteria: ACMG Guidelines, 2015. Collection method: clinical testing. Allele origin: paternal. Inheritance: Oligogenic inheritance. Affected: yes.
Comment: The NM_000193.4:c.57C>A, is a nonsense variant in SHH which is predicted to result in a premature stop codon at position 19, and likely results in an absent or disrupted protein product (PVS1). This variant is not present in gnomAD (PM2).